The following is an entry in ClinVar:

ClinVar aggregate classification (germline): Benign/Likely benign. Review status: criteria provided, multiple submitters, no conflicts (2 of 4 stars). 3 submissions from 3 submitters: Benign (1); Likely benign (2). Last evaluated 2019-01-08.

Conditions:
Histidinemia. Also called: Hyperhistidinemia; Deficiency of histidine ammonia-lyase; HAL DEFICIENCY; HIS DEFICIENCY; HISTIDASE DEFICIENCY; HISTIDINE AMMONIA-LYASE DEFICIENCY. Identifiers: Orphanet 2157, MedGen C0220992, MONDO:0009345, OMIM 235800, HP:0010906.

Allele frequency attached by ClinVar (database versions not stated): gnomAD 0.01000; 1000 Genomes Project 0.01158; TOPMed 0.01166; 1000 Genomes Project 30x 0.01171; ESP Exome Variant Server 0.01315.
gnomAD v4.1: 2,973 of 1,563,514 alleles (0.19%); highest among the groups gnomAD compares: African/African-American, 3.6%; 47 homozygotes.

Submissions (3):

Labcorp Genetics (formerly Invitae), Labcorp
Classification: Benign. Last evaluated: 2019-01-08. Review status: criteria provided, single submitter. Criteria: Invitae Variant Classification Sherloc (09022015). Collection method: clinical testing. Allele origin: germline.

Illumina Laboratory Services, Illumina
Classification: Likely benign for Histidinemia. Last evaluated: 2017-04-27. Review status: criteria provided, single submitter. Criteria: ICSL Variant Classification Criteria 13 December 2019. Collection method: clinical testing. Allele origin: germline.
Comment: This variant was observed as part of a predisposition screen in an ostensibly healthy population. A literature search was performed for the gene, cDNA change, and amino acid change (where applicable). No publications were found based on this search. Allele frequency data from public databases allowed determination this variant is unlikely to cause disease. Therefore, this variant is classified as likely benign.

Breakthrough Genomics
Classification: Likely benign. Review status: criteria provided, single submitter. Criteria: ACMG Guidelines, 2015. Collection method: not provided. Allele origin: germline. Inheritance: Autosomal recessive inheritance. Affected: yes.

NM_002108.4(HAL):c.492C>T (p.Tyr164=)

Gene: HAL (histidine ammonia-lyase; minus strand). Cytogenetic location: 12q23.1.
Variant type: single nucleotide variant.
Coding change: c.492C>T on transcript NM_002108.4 (MANE Select); coding-DNA position 492, C replaced by T.
Protein change: p.Tyr164=; no amino-acid change (tyrosine 164 retained).
Molecular consequence: synonymous variant. On other transcripts: intron variant (1).
Genome position (GRCh38, 1-based): chr12:95,993,831, G>A on the plus strand (C>T on the coding strand, the complement: HAL is on the minus strand). VCF-style: chr12-95993831-G-A. GRCh37 (hg19) VCF-style: chr12-96387609-G-A.
Other names: c.492C>T, p.Tyr164= (NM_001258334.2); c.-74+95C>T (NM_001258333.2).
Identifiers: ClinVar variation 773028 (VCV000773028.8), dbSNP rs17024973, ClinGen allele CA6727972.